The following is an entry in ClinVar:

NM_000222.3(KIT):c.1716C>G (p.Asp572Glu)

Gene: KIT (KIT proto-oncogene, receptor tyrosine kinase; plus strand). Cytogenetic location: 4q12.
Variant type: single nucleotide variant.
Coding change: c.1716C>G on transcript NM_000222.3 (MANE Select); coding-DNA position 1716, C replaced by G.
Protein change: p.Asp572Glu; replaces aspartic acid 572 with glutamic acid.
Molecular consequence: missense variant.
Genome position (GRCh38, 1-based): chr4:54,727,484, C>G. VCF-style: chr4-54727484-C-G. GRCh37 (hg19) VCF-style: chr4-55593650-C-G.
Other names: c.1704C>G, p.Asp568Glu (NM_001093772.2, NM_001385286.1); c.1719C>G, p.Asp573Glu (NM_001385284.1, NM_001385290.1); c.1716C>G, p.Asp572Glu (NM_001385285.1); c.1707C>G, p.Asp569Glu (NM_001385288.1, NM_001385292.1); short protein forms D572E, D568E, D569E, D573E.
Identifiers: ClinVar variation 2856158 (VCV002856158.3), dbSNP rs2109776822, ClinGen allele CA356907554.
Genomic context (GRCh38, chr4:54,727,484, plus strand): 5'-GTATGAAGTACAGTGGAAGGTTGTTGAGGAGATAAATGGAAACAATTATGTTTACATAGA[C>G]CCAACACAACTTCCTTATGATCACAAATGGGAGTTTCCCAGAAACAGGCTGAGTTTTGGT-3'
Protein context (NP_000213.1, residues 562-582): EINGNNYVYI[Asp572Glu]PTQLPYDHKW

ClinVar aggregate classification (germline): Uncertain significance (1 of 4 stars; one submission).

Conditions:
Gastrointestinal stromal tumor. Also called: Gastrointestinal stromal tumor, somatic; Gastrointestinal stroma tumor. Identifiers: Orphanet 44890, MedGen C0238198, MeSH D046152, MONDO:0011719, OMIM 606764, HP:0100723.

Submission:

Labcorp Genetics (formerly Invitae), Labcorp
Classification: Uncertain significance for Gastrointestinal stromal tumor. Last evaluated: 2023-04-21. Review status: criteria provided, single submitter. Criteria: Invitae Variant Classification Sherloc (09022015). Collection method: clinical testing. Allele origin: germline.
Comment: In summary, the available evidence is currently insufficient to determine the role of this variant in disease. Therefore, it has been classified as a Variant of Uncertain Significance. An algorithm developed to predict the effect of missense changes on protein structure and function (PolyPhen-2) suggests that this variant is likely to be disruptive. This variant has not been reported in the literature in individuals affected with KIT-related conditions. This variant is not present in population databases (gnomAD no frequency). This sequence change replaces aspartic acid, which is acidic and polar, with glutamic acid, which is acidic and polar, at codon 572 of the KIT protein (p.Asp572Glu).